The following is an entry in ClinVar:

ClinVar aggregate classification (germline): Uncertain significance (1 of 4 stars; one submission).

gnomAD v4.1: 1 of 1,614,014 alleles (0.000062%); highest among the groups gnomAD compares: Admixed American, 0.0017%; no homozygotes.

Submission:

Labcorp Genetics (formerly Invitae), Labcorp
Classification: Uncertain significance. Last evaluated: 2024-10-03. Review status: criteria provided, single submitter. Criteria: Invitae Variant Classification Sherloc (09022015). Collection method: clinical testing. Allele origin: germline.
Comment: This sequence change replaces threonine, which is neutral and polar, with isoleucine, which is neutral and non-polar, at codon 520 of the DSCAML1 protein (p.Thr520Ile). This variant is present in population databases (no rsID available, gnomAD 0.003%). This variant has not been reported in the literature in individuals affected with DSCAML1-related conditions. ClinVar contains an entry for this variant (Variation ID: 2116664). An algorithm developed to predict the effect of missense changes on protein structure and function (PolyPhen-2) suggests that this variant is likely to be tolerated. In summary, the available evidence is currently insufficient to determine the role of this variant in disease. Therefore, it has been classified as a Variant of Uncertain Significance.

NM_020693.4(DSCAML1):c.1379C>T (p.Thr460Ile)

Gene: DSCAML1 (DS cell adhesion molecule like 1; minus strand). Cytogenetic location: 11q23.3.
Variant type: single nucleotide variant.
Coding change: c.1379C>T on transcript NM_020693.4 (MANE Select); coding-DNA position 1379, C replaced by T.
Protein change: p.Thr460Ile; replaces threonine 460 with isoleucine.
Molecular consequence: missense variant.
Genome position (GRCh38, 1-based): chr11:117,518,597, G>A on the plus strand (C>T on the coding strand, the complement: DSCAML1 is on the minus strand). VCF-style: chr11-117518597-G-A. GRCh37 (hg19) VCF-style: chr11-117389312-G-A.
Other names: c.1379C>T, p.Thr460Ile (NM_001367904.1); c.971C>T, p.Thr324Ile (NM_001367905.1); short protein forms T460I, T324I.
Identifiers: ClinVar variation 2116664 (VCV002116664.4), dbSNP rs1393208731, ClinGen allele CA382745677.